The following is an entry in ClinVar:

ClinVar aggregate classification (germline): Uncertain significance. Review status: criteria provided, multiple submitters, no conflicts (2 of 4 stars). 2 submissions from 2 submitters: Uncertain significance (2). Last evaluated 2024-07-30.

gnomAD v4.1: 39 of 1,613,896 alleles (0.0024%); highest among the groups gnomAD compares: Non-Finnish European, 0.0033%; no homozygotes.

Submissions (2):

Labcorp Genetics (formerly Invitae), Labcorp
Classification: Uncertain significance. Last evaluated: 2024-07-30. Review status: criteria provided, single submitter. Criteria: Invitae Variant Classification Sherloc (09022015). Collection method: clinical testing. Allele origin: germline.
Comment: This sequence change replaces proline, which is neutral and non-polar, with serine, which is neutral and polar, at codon 522 of the CDC45 protein (p.Pro522Ser). This variant is present in population databases (rs756156022, gnomAD 0.004%). This variant has not been reported in the literature in individuals affected with CDC45-related conditions. An algorithm developed to predict the effect of missense changes on protein structure and function (PolyPhen-2) suggests that this variant is likely to be disruptive. In summary, the available evidence is currently insufficient to determine the role of this variant in disease. Therefore, it has been classified as a Variant of Uncertain Significance.

GeneDx
Classification: Uncertain significance. Last evaluated: 2024-06-08. Review status: criteria provided, single submitter. Criteria: GeneDx Variant Classification Process June 2021. Collection method: clinical testing. Allele origin: germline. Affected: yes.
Comment: In silico analysis supports that this missense variant has a deleterious effect on protein structure/function; Has not been previously published as pathogenic or benign to our knowledge

NM_003504.5(CDC45):c.1468C>T (p.Pro490Ser)

Gene: CDC45 (cell division cycle 45; plus strand). Cytogenetic location: 22q11.21.
Variant type: single nucleotide variant.
Coding change: c.1468C>T on transcript NM_003504.5 (MANE Select); coding-DNA position 1468, C replaced by T.
Protein change: p.Pro490Ser; replaces proline 490 with serine.
Molecular consequence: missense variant. On other transcripts: non-coding transcript variant (1).
Genome position (GRCh38, 1-based): chr22:19,516,554, C>T. VCF-style: chr22-19516554-C-T. GRCh37 (hg19) VCF-style: chr22-19504077-C-T.
Other names: c.1564C>T, p.Pro522Ser (NM_001178010.2); c.1330C>T, p.Pro444Ser (NM_001178011.2); c.1432C>T, p.Pro478Ser (NM_001369291.1); short protein forms P444S, P478S, P490S, P522S.
Identifiers: ClinVar variation 3384325 (VCV003384325.3).